The following is an entry in ClinVar:

ClinVar aggregate classification (germline): Benign. Review status: criteria provided, multiple submitters, no conflicts (2 of 4 stars). 4 submissions from 4 submitters: Benign (3). 1 of the submissions does not count toward it. Last evaluated 2026-01-28.

Conditions:
FOCAD-related disorder. Also called: FOCAD-related condition.

Allele frequency attached by ClinVar (database versions not stated): 1000 Genomes Project 30x 0.00234; 1000 Genomes Project 0.00260; TOPMed 0.00616; gnomAD 0.00666 and 0.00671; gnomAD exomes 0.00735; ExAC 0.00759; ESP Exome Variant Server 0.00907.
gnomAD v4.1: 16,292 of 1,611,148 alleles (1%); highest among the groups gnomAD compares: Non-Finnish European, 1.2%; 106 homozygotes.

Submissions (17):

Labcorp Genetics (formerly Invitae), Labcorp
Classification: Benign. Last evaluated: 2026-01-28. Review status: criteria provided, single submitter. Criteria: Invitae Variant Classification Sherloc (09022015). Collection method: clinical testing. Allele origin: germline.

CeGaT Center for Human Genetics Tuebingen
Classification: Benign. Last evaluated: 2026-01-01. Review status: criteria provided, single submitter. Criteria: CeGaT Center For Human Genetics Tuebingen Variant Classification Criteria Version 2. Collection method: clinical testing. Allele origin: germline. Affected: yes. Observed: 12 variant alleles.
Comment: FOCAD: PP3, BS1, BS2

Breakthrough Genomics
Classification: Benign. Review status: criteria provided, single submitter. Criteria: ACMG Guidelines, 2015. Collection method: not provided. Allele origin: germline. Inheritance: Autosomal recessive inheritance. Affected: yes.

PreventionGenetics, part of Exact Sciences
Classification: Benign for FOCAD-related condition. Last evaluated: 2019-03-07. Review status: no assertion criteria provided. Collection method: clinical testing. Allele origin: germline. Not counted in ClinVar's aggregate classification.
Comment: This variant is classified as benign based on ACMG/AMP sequence variant interpretation guidelines (Richards et al. 2015 PMID: 25741868, with internal and published modifications).

Dr. Peter K. Rogan Lab, Western University
No classification provided (evidence only). Condition: Melanoma. Review status: no classification provided. Collection method: in vitro. Allele origin: not applicable. Functional consequence: retained intron. Not counted in ClinVar's aggregate classification.

Dr. Peter K. Rogan Lab, Western University
No classification provided (evidence only). Condition: Acute myeloid leukemia. Review status: no classification provided. Collection method: in vitro. Allele origin: not applicable. Functional consequence: retained intron. Not counted in ClinVar's aggregate classification.

Dr. Peter K. Rogan Lab, Western University
No classification provided (evidence only). Condition: Acute myeloid leukemia. Review status: no classification provided. Collection method: in vitro. Allele origin: not applicable. Functional consequence: retained intron. Not counted in ClinVar's aggregate classification.

Dr. Peter K. Rogan Lab, Western University
No classification provided (evidence only). Condition: Acute myeloid leukemia. Review status: no classification provided. Collection method: in vitro. Allele origin: not applicable. Functional consequence: retained intron. Not counted in ClinVar's aggregate classification.

Dr. Peter K. Rogan Lab, Western University
No classification provided (evidence only). Condition: Acute myeloid leukemia. Review status: no classification provided. Collection method: in vitro. Allele origin: not applicable. Functional consequence: retained intron. Not counted in ClinVar's aggregate classification.

Dr. Peter K. Rogan Lab, Western University
No classification provided (evidence only). Condition: Cervical cancer. Review status: no classification provided. Collection method: in vitro. Allele origin: not applicable. Functional consequence: retained intron. Not counted in ClinVar's aggregate classification.

Dr. Peter K. Rogan Lab, Western University
No classification provided (evidence only). Condition: Sarcoma. Review status: no classification provided. Collection method: in vitro. Allele origin: not applicable. Functional consequence: retained intron. Not counted in ClinVar's aggregate classification.

Dr. Peter K. Rogan Lab, Western University
No classification provided (evidence only). Condition: Ovarian serous cystadenocarcinoma. Review status: no classification provided. Collection method: in vitro. Allele origin: not applicable. Functional consequence: retained intron. Not counted in ClinVar's aggregate classification.

Dr. Peter K. Rogan Lab, Western University
No classification provided (evidence only). Condition: Gastric cancer. Review status: no classification provided. Collection method: in vitro. Allele origin: not applicable. Functional consequence: retained intron. Not counted in ClinVar's aggregate classification.

Dr. Peter K. Rogan Lab, Western University
No classification provided (evidence only). Condition: Gastric cancer. Review status: no classification provided. Collection method: in vitro. Allele origin: not applicable. Functional consequence: retained intron. Not counted in ClinVar's aggregate classification.

Dr. Peter K. Rogan Lab, Western University
No classification provided (evidence only). Condition: Gastric cancer. Review status: no classification provided. Collection method: in vitro. Allele origin: not applicable. Functional consequence: retained intron. Not counted in ClinVar's aggregate classification.

Dr. Peter K. Rogan Lab, Western University
No classification provided (evidence only). Condition: Malignant tumor of esophagus. Review status: no classification provided. Collection method: in vitro. Allele origin: not applicable. Functional consequence: retained intron. Not counted in ClinVar's aggregate classification.

Dr. Peter K. Rogan Lab, Western University
No classification provided (evidence only). Condition: Malignant tumor of esophagus. Review status: no classification provided. Collection method: in vitro. Allele origin: not applicable. Functional consequence: retained intron. Not counted in ClinVar's aggregate classification.

NM_001375567.1(FOCAD):c.3411G>A (p.Thr1137=)

Gene: FOCAD (focadhesin; plus strand). Cytogenetic location: 9p21.3.
Variant type: single nucleotide variant.
Coding change: c.3411G>A on transcript NM_001375567.1 (MANE Select); coding-DNA position 3411, G replaced by A.
Protein change: p.Thr1137=; no amino-acid change (threonine 1137 retained).
Molecular consequence: synonymous variant.
Genome position (GRCh38, 1-based): chr9:20,944,630, G>A. VCF-style: chr9-20944630-G-A. GRCh37 (hg19) VCF-style: chr9-20944629-G-A.
Other names: c.3306G>A, p.Thr1102= (NM_001375568.1, NM_001375570.1); c.3411G>A, p.Thr1137= (NM_017794.5).
Identifiers: ClinVar variation 774672 (VCV000774672.33), dbSNP rs56037765, ClinGen allele CA5007546.